The following is an entry in ClinVar:

ClinVar aggregate classification (germline): Uncertain significance (1 of 4 stars; one submission).

Allele frequency attached by ClinVar (database versions not stated): TOPMed below 0.00001.

Submission:

Labcorp Genetics (formerly Invitae), Labcorp
Classification: Uncertain significance. Last evaluated: 2024-03-11. Review status: criteria provided, single submitter. Criteria: Invitae Variant Classification Sherloc (09022015). Collection method: clinical testing. Allele origin: germline.
Comment: This sequence change replaces leucine, which is neutral and non-polar, with proline, which is neutral and non-polar, at codon 667 of the TRAPPC12 protein (p.Leu667Pro). This variant is not present in population databases (gnomAD no frequency). This variant has not been reported in the literature in individuals affected with TRAPPC12-related conditions. ClinVar contains an entry for this variant (Variation ID: 2171241). Advanced modeling of protein sequence and biophysical properties (such as structural, functional, and spatial information, amino acid conservation, physicochemical variation, residue mobility, and thermodynamic stability) performed at Invitae indicates that this missense variant is expected to disrupt TRAPPC12 protein function with a positive predictive value of 80%. In summary, the available evidence is currently insufficient to determine the role of this variant in disease. Therefore, it has been classified as a Variant of Uncertain Significance.

NM_016030.6(TRAPPC12):c.2000T>C (p.Leu667Pro)

Genes: TRAPPC12 (trafficking protein particle complex subunit 12; plus strand), TRAPPC12-AS1 (TRAPPC12 antisense RNA 1; minus strand). Cytogenetic location: 2p25.3.
Variant type: single nucleotide variant.
Coding change: c.2000T>C on transcript NM_016030.6 (MANE Select); coding-DNA position 2000, T replaced by C.
Protein change: p.Leu667Pro; replaces leucine 667 with proline.
Molecular consequence: missense variant. On other transcripts: non-coding transcript variant (1).
Genome position (GRCh38, 1-based): chr2:3,479,253, T>C. VCF-style: chr2-3479253-T-C. GRCh37 (hg19) VCF-style: chr2-3483024-T-C.
Other names: c.2000T>C, p.Leu667Pro (NM_001321102.2); short protein forms L667P.
Identifiers: ClinVar variation 2171241 (VCV002171241.4), dbSNP rs1248160960, ClinGen allele CA345734877.
Genomic context (GRCh38, chr2:3,479,253, plus strand): 5'-AACCCTGGGCGTGTGCTCCTCCCTAGGCCAACAACAACGCTGCCGTGTGTCTGCTCTACC[T>C]GGGCAAGCTCAAGGACTCCCTGCGGCAGCTGGAGGCCATGGTCCAGCAGGACCCCAGGCA-3'
Protein context (NP_057114.5, residues 657-677): NNNAAVCLLY[Leu667Pro]GKLKDSLRQL